The following is an entry in ClinVar:

NM_000256.3(MYBPC3):c.3272A>T (p.Asp1091Val)

Gene: MYBPC3 (myosin binding protein C3; minus strand). Cytogenetic location: 11p11.2.
Variant type: single nucleotide variant.
Coding change: c.3272A>T on transcript NM_000256.3 (MANE Select); coding-DNA position 3272, A replaced by T.
Protein change: p.Asp1091Val; replaces aspartic acid 1091 with valine.
Molecular consequence: missense variant.
Genome position (GRCh38, 1-based): chr11:47,333,252, T>A on the plus strand (A>T on the coding strand, the complement: MYBPC3 is on the minus strand). VCF-style: chr11-47333252-T-A. GRCh37 (hg19) VCF-style: chr11-47354803-T-A.
Other names: short protein forms D1091V.
Identifiers: ClinVar variation 1677900 (VCV001677900.2), dbSNP rs2095879048, ClinGen allele CA380314215.
Genomic context (GRCh38, chr11:47,333,252, plus strand): 5'-ACCATGGTCTTCTTGTCGGCTTTCTGCACTGTGTACCCCCAGAGCTCCGTGTTGCCGACA[T>A]CCTGGGGTGGCTTCCACTCCAGAGCCACATTAAGACCCCAGGCGTCAGTCACCCGGAGAT-3'
Protein context (NP_000247.2, residues 1081-1101): NVALEWKPPQ[Asp1091Val]VGNTELWGYT

ClinVar aggregate classification (germline): Uncertain significance. Review status: criteria provided, multiple submitters, no conflicts (2 of 4 stars). 2 submissions from 2 submitters: Uncertain significance (2). Last evaluated 2024-04-25.

Conditions:
Hypertrophic cardiomyopathy. Also called: HYPERTROPHIC MYOCARDIOPATHY. Identifiers: Orphanet 217569, MedGen C0007194, MeSH D002312, MONDO:0005045, HP:0001639.

Allele frequency attached by ClinVar (database versions not stated): TOPMed below 0.00001.

Submissions (2):

All of Us Research Program, National Institutes of Health
Classification: Uncertain significance for Hypertrophic cardiomyopathy. Last evaluated: 2024-04-25. Review status: criteria provided, single submitter. Criteria: ACMG Guidelines, 2015. Collection method: clinical testing. Allele origin: germline. Inheritance: Autosomal dominant inheritance. Observed: 1 variant allele, 1 heterozygote.
Comment: This missense variant replaces aspartic acid with valine at codon 1091 of the MYBPC3 protein. Computational prediction suggests that this variant may have deleterious impact on protein structure and function (internally defined REVEL score threshold >= 0.7, PMID: 27666373). To our knowledge, functional studies have not been reported for this variant. This variant has not been reported in individuals affected with MYBPC3-related disorders in the literature. This variant has not been identified in the general population by the Genome Aggregation Database (gnomAD). The available evidence is insufficient to determine the role of this variant in disease conclusively. Therefore, this variant is classified as a Variant of Uncertain Significance.

This study involves interpretation of variants in research participants for the purpose of population health screening. Participant phenotype was not available at the time of variant classification. Additional details can be found in publication PMID: 35346344, PMCID: PMC8962531

AiLife Diagnostics
Classification: Uncertain significance. Last evaluated: 2022-02-28. Review status: criteria provided, single submitter. Criteria: ACMG Guidelines, 2015. Collection method: clinical testing. Allele origin: germline. Affected: yes. Observed: 2 variant alleles.